The following is an entry in ClinVar:

NC_000022.11:g.40346417C>T

Gene: ADSL (adenylosuccinate lyase; plus strand). Cytogenetic location: 22q13.1.
Variant type: single nucleotide variant.
Genome position: GRCh38 VCF-style: chr22-40346417-C-T. GRCh37 (hg19) VCF-style: chr22-40742421-C-T.
Identifiers: ClinVar variation 1411596 (VCV001411596.3), dbSNP rs951357741, ClinGen allele CA324446883.
Genomic context (GRCh38, chr22:40,346,417, plus strand): 5'-CTGGTCAAAGAAGCGAACCAAGTCAATTCTCAGGCAGAAGCAGCGGAGATTCTCCGCAGC[C>T]GGCAGCGCCCAGGGCGCCCGGAACCCAGAGAGCGAGACCGCGTGAAGGAAGTCCCGCCCC-3'

ClinVar aggregate classification (germline): Uncertain significance (1 of 4 stars; one submission).

Conditions:
Adenylosuccinate lyase deficiency (ADSLD). Also called: ADSL DEFICIENCY. Identifiers: Orphanet 46, MedGen C0268126, MONDO:0007068, OMIM 103050.

Allele frequency attached by ClinVar (database versions not stated): TOPMed below 0.00001; gnomAD 0.00002 and 0.00007; 1000 Genomes Project 30x 0.00016.

Submission:

Labcorp Genetics (formerly Invitae), Labcorp
Classification: Uncertain significance for Adenylosuccinate lyase deficiency. Last evaluated: 2022-05-30. Review status: criteria provided, single submitter. Criteria: Invitae Variant Classification Sherloc (09022015). Collection method: clinical testing. Allele origin: germline.
Comment: This variant occurs in a non-coding region of the ADSL gene. It does not change the encoded amino acid sequence of the ADSL protein. This variant is not present in population databases (gnomAD no frequency). This variant has not been reported in the literature in individuals affected with ADSL-related conditions. Experimental studies and prediction algorithms are not available or were not evaluated, and the functional significance of this variant is currently unknown. In summary, the available evidence is currently insufficient to determine the role of this variant in disease. Therefore, it has been classified as a Variant of Uncertain Significance.